The following is an entry in ClinVar:

NM_001429.4(EP300):c.999G>T (p.Glu333Asp)

Gene: EP300 (EP300 lysine acetyltransferase; plus strand). Cytogenetic location: 22q13.2.
Variant type: single nucleotide variant.
Coding change: c.999G>T on transcript NM_001429.4 (MANE Select); coding-DNA position 999, G replaced by T.
Protein change: p.Glu333Asp; replaces glutamic acid 333 with aspartic acid.
Molecular consequence: missense variant.
Genome position (GRCh38, 1-based): chr22:41,127,579, G>T. VCF-style: chr22-41127579-G-T. GRCh37 (hg19) VCF-style: chr22-41523583-G-T.
Other names: c.999G>T, p.Glu333Asp (NM_001362843.2); short protein forms E333D.
Identifiers: ClinVar variation 4744114 (VCV004744114.1).

ClinVar aggregate classification (germline): Uncertain significance (1 of 4 stars; one submission).

Conditions:
Rubinstein-Taybi syndrome due to EP300 haploinsufficiency. Also called: EP300-Related Rubinstein-Taybi Syndrome; RUBINSTEIN-TAYBI SYNDROME 2. Identifiers: Orphanet 353284, Orphanet 783, MedGen C3150941, MONDO:0013364, OMIM 613684.

gnomAD v4.1: 1 of 1,614,118 alleles (0.000062%); highest among the groups gnomAD compares: Admixed American, 0.0017%; no homozygotes.

Submission:

Labcorp Genetics (formerly Invitae), Labcorp
Classification: Uncertain significance for Rubinstein-Taybi syndrome due to EP300 haploinsufficiency. Last evaluated: 2025-09-14. Review status: criteria provided, single submitter. Criteria: Invitae Variant Classification Sherloc (09022015). Collection method: clinical testing. Allele origin: germline.
Comment: This sequence change replaces glutamic acid, which is acidic and polar, with aspartic acid, which is acidic and polar, at codon 333 of the EP300 protein (p.Glu333Asp). This variant is not present in population databases (gnomAD no frequency). This variant has not been reported in the literature in individuals affected with EP300-related conditions. Invitae Evidence Modeling of protein sequence and biophysical properties (such as structural, functional, and spatial information, amino acid conservation, physicochemical variation, residue mobility, and thermodynamic stability) has been performed for this missense variant. However, the output from this modeling did not meet the statistical confidence thresholds required to predict the impact of this variant on EP300 protein function. In summary, the available evidence is currently insufficient to determine the role of this variant in disease. Therefore, it has been classified as a Variant of Uncertain Significance.